The following is an entry in ClinVar:

NM_201280.3(BLOC1S5):c.326-2A>C

Genes: BLOC1S5 (biogenesis of lysosomal organelles complex 1 subunit 5; minus strand), BLOC1S5-TXNDC5 (BLOC1S5-TXNDC5 readthrough (NMD candidate); minus strand), EEF1E1-BLOC1S5 (EEF1E1-BLOC1S5 readthrough (NMD candidate); minus strand). Cytogenetic location: 6p24.3.
Variant type: single nucleotide variant.
Coding change: c.326-2A>C on transcript NM_201280.3 (MANE Select); the canonical splice acceptor site of the intron before coding-DNA position 326, A replaced by C.
Molecular consequence: splice acceptor variant.
Genome position (GRCh38, 1-based): chr6:8,026,427, T>G on the plus strand (A>C on the coding strand, the complement: BLOC1S5 is on the minus strand). VCF-style: chr6-8026427-T-G. GRCh37 (hg19) VCF-style: chr6-8026660-T-G.
Other names: c.196-2A>C (NM_001199323.1); c.134-2A>C (NM_001199322.1).
Identifiers: ClinVar variation 2630117 (VCV002630117.2), dbSNP rs764780126, ClinGen allele CA3629835.

ClinVar aggregate classification (germline): Likely pathogenic (1 of 4 stars; one submission).

Conditions:
BLOC1S5-related disorder. Also called: BLOC1S5-related condition.

Allele frequency attached by ClinVar (database versions not stated): ExAC 0.00001; gnomAD 0.00001; TOPMed 0.00001.
gnomAD v4.1: 17 of 1,612,782 alleles (0.0011%); highest among the groups gnomAD compares: Non-Finnish European, 0.0014%; no homozygotes.

Submission:

PreventionGenetics, part of Exact Sciences
Classification: Likely pathogenic for BLOC1S5-related condition. Last evaluated: 2026-01-23. Review status: criteria provided, single submitter. Criteria: ACMG Guidelines, 2015. Collection method: clinical testing. Allele origin: germline.
Comment: The BLOC1S5 c.326-2A>C variant is predicted to disrupt the AG splice acceptor site and interfere with normal splicing. To our knowledge, this variant has not been reported in the literature. This variant is reported in 0.00088% of alleles in individuals of European (Non-Finnish) descent in gnomAD. Variants that disrupt the consensus splice acceptor site in BLOC1S5 are expected to be pathogenic. This variant is interpreted as likely pathogenic.